The following is an entry in ClinVar:

ClinVar aggregate classification (germline): Likely pathogenic (1 of 4 stars; one submission).

Conditions:
Catecholaminergic polymorphic ventricular tachycardia (CVPT). Also called: Catecholamine-induced polymorphic ventricular tachycardia. Identifiers: Orphanet 3286, MedGen C5574922, MONDO:0017990.

Submission:

Lildballe Lab, Aarhus University Hospital
Classification: Likely pathogenic for catecholaminergic polymorphic ventricular tachycardia. Last evaluated: 2024-03-01. Review status: criteria provided, single submitter. Criteria: ACMG Guidelines, 2015. Collection method: research. Allele origin: germline. Affected: yes.
Comment: PM1(m) PP2(sup) PM2(sup) PM5(m) PP3(sup)

Literature cited by the submitters: PubMed 25741909; PubMed 39481677.

NM_001035.3(RYR2):c.7175A>T (p.Tyr2392Phe)

Gene: RYR2 (ryanodine receptor 2; plus strand). Cytogenetic location: 1q43.
Variant type: single nucleotide variant.
Coding change: c.7175A>T on transcript NM_001035.3 (MANE Select); coding-DNA position 7175, A replaced by T.
Protein change: p.Tyr2392Phe; replaces tyrosine 2392 with phenylalanine.
Molecular consequence: missense variant.
Genome position (GRCh38, 1-based): chr1:237,640,956, A>T. VCF-style: chr1-237640956-A-T. GRCh37 (hg19) VCF-style: chr1-237804256-A-T.
Other names: short protein forms Y2392F.
Identifiers: ClinVar variation 3338338 (VCV003338338.1).